The following is an entry in ClinVar:

NM_001244008.2(KIF1A):c.1498-5T>C

Gene: KIF1A (kinesin family member 1A; minus strand). Cytogenetic location: 2q37.3.
Variant type: single nucleotide variant.
Coding change: c.1498-5T>C on transcript NM_001244008.2 (MANE Select); 5 bases into the intron before coding-DNA position 1498, T replaced by C.
Molecular consequence: intron variant.
Genome position (GRCh38, 1-based): chr2:240,767,350, A>G on the plus strand (T>C on the coding strand, the complement: KIF1A is on the minus strand). VCF-style: chr2-240767350-A-G. GRCh37 (hg19) VCF-style: chr2-241706767-A-G.
Other names: c.1498-5T>C (NM_001379638.1, NM_001330289.2, NM_001320705.2); c.1573-5T>C (NM_001330290.2, NM_001379646.1, NM_001379634.1 and 2 more transcripts); c.1471-5T>C (NM_001379651.1, NM_001379653.1, NM_001379650.1 and 10 more transcripts); c.1546-5T>C (NM_001379637.1, NM_001379648.1).
Identifiers: ClinVar variation 4885380 (VCV004885380.2).

ClinVar aggregate classification (germline): Uncertain significance (1 of 4 stars; one submission).

Submission:

Dasa
Classification: Uncertain significance. Last evaluated: 2025-10-24. Review status: criteria provided, single submitter. Criteria: DASA Assertion Criteria. Collection method: clinical testing. Allele origin: germline.
Comment: NM_001244008.2(KIF1A):c.1498-5T>C is a splice-region variant. This variant is absent from population databases. Computational prediction algorithms are consistent with a benign effect. The currently available literature and clinical evidence are not sufficient to establish a definitive association between this variant and the reported condition. Therefore, this variant is classified as a variant of uncertain significance.